The following is an entry in ClinVar:

ClinVar aggregate classification (germline): Uncertain significance. Review status: no assertion criteria provided (0 of 4 stars). 2 submissions from 1 submitter: Uncertain significance (1). 1 of the submissions does not count toward it.

Submissions (2):

Richard Lifton Laboratory, Yale University School of Medicine
Classification: Uncertain significance. Review status: no assertion criteria provided. Collection method: not provided. Allele origin: somatic.
Comment: HMCN1:p.S1558*
ClinVar note: Converted during submission from unknown to Uncertain significance.

Richard Lifton Laboratory, Yale University School of Medicine
Classification: Uncertain significance. Review status: flagged submission. Collection method: not provided. Allele origin: somatic. Not counted in ClinVar's aggregate classification.
ClinVar note: Converted during submission from unknown to Uncertain significance.
ClinVar note: Reason: This record appears to be redundant with a more recent record from the same submitter.
ClinVar note: Notes: SCV000120105 appears to be redundant with SCV000155209.

NM_031935.3(HMCN1):c.4673C>A (p.Ser1558Ter)

Gene: HMCN1 (hemicentin 1; plus strand). Cytogenetic location: 1q31.1.
Variant type: single nucleotide variant.
Coding change: c.4673C>A on transcript NM_031935.3 (MANE Select); coding-DNA position 4673, C replaced by A.
Protein change: p.Ser1558Ter; replaces serine 1558 with a stop codon.
Molecular consequence: nonsense.
Genome position (GRCh38, 1-based): chr1:186,015,201, C>A. VCF-style: chr1-186015201-C-A. GRCh37 (hg19) VCF-style: chr1-185984333-C-A.
Other names: short protein forms S1558*.
Identifiers: ClinVar variation 100880 (VCV000100880.2), dbSNP rs483352757, ClinGen allele CA229187.
Genomic context (GRCh38, chr1:186,015,201, plus strand): 5'-TTCTGAAATCCTTTGTAGTTCCACCTAGTATTAAAGGAGGAAATGTCACCACAGACATAT[C>A]AGTATTGATCAACAGCCTTATTAAACTGGAATGTGAAACACGGGGACTTCCAATGCCTGC-3'